The following is an entry in ClinVar:

NM_001329943.3(KIAA0586):c.1799A>C (p.His600Pro)

Gene: KIAA0586 (KIAA0586; plus strand). Cytogenetic location: 14q23.1.
Variant type: single nucleotide variant.
Coding change: c.1799A>C on transcript NM_001329943.3 (MANE Select); coding-DNA position 1799, A replaced by C.
Protein change: p.His600Pro; replaces histidine 600 with proline.
Molecular consequence: missense variant. On other transcripts: intron variant (1).
Genome position (GRCh38, 1-based): chr14:58,459,985, A>C. VCF-style: chr14-58459985-A-C. GRCh37 (hg19) VCF-style: chr14-58926703-A-C.
Other names: c.1958A>C, p.His653Pro (NM_001244189.2); c.1754A>C, p.His585Pro (NM_001244190.2); c.1544A>C, p.His515Pro (NM_001244191.2, NM_001329945.2, NM_001364700.1 and 1 more transcripts); c.1667A>C, p.His556Pro (NM_001244192.2); c.1379A>C, p.His460Pro (NM_001244193.2); c.1799A>C, p.His600Pro (NM_001329944.2, NM_001329946.2, NM_001329947.2); c.1657-1001A>C (NM_014749.5); short protein forms H600P, H653P, H515P, H556P, H585P, H460P.
Identifiers: ClinVar variation 2001544 (VCV002001544.1), dbSNP rs780461594, ClinGen allele CA7205717.
Genomic context (GRCh38, chr14:58,459,985, plus strand): 5'-AAGATATTAGAACCAACACACAAGATAAAACTGTCAACAAATCTGTAATTCCAAGAAAAC[A>C]TTCTCAAAAGCAAATAGAAGAGCATTTTAGAAATCTACCTATGAGGGGCATGCCTGCTTC-3'
Protein context (NP_001316872.1, residues 590-610): TVNKSVIPRK[His600Pro]SQKQIEEHFR

ClinVar aggregate classification (germline): Uncertain significance (1 of 4 stars; one submission).

Conditions:
Short-rib thoracic dysplasia 14 with polydactyly (SRTD14). Identifiers: Orphanet 397715, MedGen C4225286, MONDO:0014688, OMIM 616546.
Joubert syndrome 23 (JBTS23). Identifiers: Orphanet 475, MedGen C4084822, MONDO:0014664, OMIM 616490.

Allele frequency attached by ClinVar (database versions not stated): ExAC 0.00007.
gnomAD v4.1: 4 of 1,534,916 alleles (0.00026%); highest among the groups gnomAD compares: South Asian, 0.0048%; no homozygotes.

Submission:

Labcorp Genetics (formerly Invitae), Labcorp
Classification: Uncertain significance for Joubert syndrome 23; Short-rib thoracic dysplasia 14 with polydactyly. Last evaluated: 2022-10-04. Review status: criteria provided, single submitter. Criteria: Invitae Variant Classification Sherloc (09022015). Collection method: clinical testing. Allele origin: germline.
Comment: This sequence change replaces histidine, which is basic and polar, with proline, which is neutral and non-polar, at codon 653 of the KIAA0586 protein (p.His653Pro). This variant is present in population databases (rs780461594, gnomAD 0.004%). This variant has not been reported in the literature in individuals affected with KIAA0586-related conditions. Advanced modeling of protein sequence and biophysical properties (such as structural, functional, and spatial information, amino acid conservation, physicochemical variation, residue mobility, and thermodynamic stability) performed at Invitae indicates that this missense variant is not expected to disrupt KIAA0586 protein function. In summary, the available evidence is currently insufficient to determine the role of this variant in disease. Therefore, it has been classified as a Variant of Uncertain Significance.